The following is an entry in ClinVar:

NM_001558.4(IL10RA):c.1188G>A (p.Arg396=)

Gene: IL10RA (interleukin 10 receptor subunit alpha; plus strand). Cytogenetic location: 11q23.3.
Variant type: single nucleotide variant.
Coding change: c.1188G>A on transcript NM_001558.4 (MANE Select); coding-DNA position 1188, G replaced by A.
Protein change: p.Arg396=; no amino-acid change (arginine 396 retained).
Molecular consequence: synonymous variant. On other transcripts: non-coding transcript variant (1).
Genome position (GRCh38, 1-based): chr11:117,999,092, G>A. VCF-style: chr11-117999092-G-A. GRCh37 (hg19) VCF-style: chr11-117869807-G-A.
Identifiers: ClinVar variation 302555 (VCV000302555.18), dbSNP rs35465632, ClinGen allele CA6299133.

ClinVar aggregate classification (germline): Benign/Likely benign. Review status: criteria provided, multiple submitters, no conflicts (2 of 4 stars). 4 submissions from 4 submitters: Benign (1); Likely benign (2). 1 of the submissions does not count toward it. Last evaluated 2026-01-24.

Conditions:
IL10RA-related disorder. Also called: IL10RA-related condition.
Inflammatory bowel disease 28. Also called: Inflammatory bowel disease 28, early onset, autosomal recessive. Identifiers: Orphanet 238569, MedGen C2751053, MONDO:0013153, OMIM 613148.

Allele frequency attached by ClinVar (database versions not stated): gnomAD exomes 0.00034 and 0.00081; ExAC 0.00091; 1000 Genomes Project 0.00220; 1000 Genomes Project 30x 0.00234; ESP Exome Variant Server 0.00316; gnomAD 0.00353 and 0.00388; TOPMed 0.00420.
gnomAD v4.1: 1,064 of 1,611,056 alleles (0.066%); highest among the groups gnomAD compares: African/African-American, 1.3%; 7 homozygotes.

Submissions (4):

Labcorp Genetics (formerly Invitae), Labcorp
Classification: Benign for Inflammatory bowel disease 28. Last evaluated: 2026-01-24. Review status: criteria provided, single submitter. Criteria: Invitae Variant Classification Sherloc (09022015). Collection method: clinical testing. Allele origin: germline.

Blueprint Genetics
Classification: Likely benign. Last evaluated: 2024-08-28. Review status: criteria provided, single submitter. Criteria: ACMG Guidelines, 2015. Collection method: clinical testing. Allele origin: germline.

Illumina Laboratory Services, Illumina
Classification: Likely benign for Inflammatory bowel disease 28. Last evaluated: 2018-01-13. Review status: criteria provided, single submitter. Criteria: ICSL Variant Classification Criteria 13 December 2019. Collection method: clinical testing. Allele origin: germline.
Comment: This variant was observed in the ICSL laboratory as part of a predisposition screen in an ostensibly healthy population. It had not been previously curated by ICSL or reported in the Human Gene Mutation Database (HGMD: prior to June 1st, 2018), and was therefore a candidate for classification through an automated scoring system. Utilizing variant allele frequency, disease prevalence and penetrance estimates, and inheritance mode, an automated score was calculated to assess if this variant is too frequent to cause the disease. Based on the score and internal cut-off values, a variant classified as likely benign is not then subjected to further curation. The score for this variant resulted in a classification of likely benign for this disease.

PreventionGenetics, part of Exact Sciences
Classification: Benign for IL10RA-related condition. Last evaluated: 2019-07-11. Review status: no assertion criteria provided. Collection method: clinical testing. Allele origin: germline. Not counted in ClinVar's aggregate classification.
Comment: This variant is classified as benign based on ACMG/AMP sequence variant interpretation guidelines (Richards et al. 2015 PMID: 25741868, with internal and published modifications).